The following is an entry in ClinVar:

ClinVar aggregate classification (germline): Uncertain significance (1 of 4 stars; one submission).

Conditions:
Hereditary spastic paraplegia 11. Also called: Spastic paraplegia, mental retardation and thin corpus callosum; Spastic Paraplegia 11; Nakamura Osame syndrome; Autosomal recessive hereditary spastic paraplegia, mental impairment, and thin corpus callosum; SPASTIC PARAPLEGIA, AUTOSOMAL RECESSIVE, COMPLICATED, WITH THIN CORPUS CALLOSUM; SPASTIC PARAPLEGIA, AUTOSOMAL RECESSIVE, WITH MENTAL IMPAIRMENT AND THIN CORPUS CALLOSUM. Identifiers: Orphanet 2822, MedGen C1858479, MONDO:0011445, OMIM 604360.

Submission:

Labcorp Genetics (formerly Invitae), Labcorp
Classification: Uncertain significance for Hereditary spastic paraplegia 11. Last evaluated: 2021-09-01. Review status: criteria provided, single submitter. Criteria: Invitae Variant Classification Sherloc (09022015). Collection method: clinical testing. Allele origin: germline.
Comment: In summary, the available evidence is currently insufficient to determine the role of this variant in disease. Therefore, it has been classified as a Variant of Uncertain Significance. Algorithms developed to predict the effect of missense changes on protein structure and function are either unavailable or do not agree on the potential impact of this missense change (SIFT: "Tolerated"; PolyPhen-2: "Probably Damaging"; Align-GVGD: "Class C0"). This variant has not been reported in the literature in individuals affected with SPG11-related conditions. This variant is not present in population databases (ExAC no frequency). This sequence change replaces proline with threonine at codon 1248 of the SPG11 protein (p.Pro1248Thr). The proline residue is moderately conserved and there is a small physicochemical difference between proline and threonine.

NM_025137.4(SPG11):c.3742C>A (p.Pro1248Thr)

Gene: SPG11 (SPG11 vesicle trafficking associated, spatacsin; minus strand). Cytogenetic location: 15q21.1.
Variant type: single nucleotide variant.
Coding change: c.3742C>A on transcript NM_025137.4 (MANE Select); coding-DNA position 3742, C replaced by A.
Protein change: p.Pro1248Thr; replaces proline 1248 with threonine.
Molecular consequence: missense variant.
Genome position (GRCh38, 1-based): chr15:44,598,781, G>T on the plus strand (C>A on the coding strand, the complement: SPG11 is on the minus strand). VCF-style: chr15-44598781-G-T. GRCh37 (hg19) VCF-style: chr15-44890979-G-T.
Other names: c.3742C>A, p.Pro1248Thr (NM_001160227.2); short protein forms P1248T.
Identifiers: ClinVar variation 1375246 (VCV001375246.6), dbSNP rs2140978285, ClinGen allele CA392230329.